The following is an entry in ClinVar:

ClinVar aggregate classification (germline): Uncertain significance. Review status: criteria provided, single submitter (1 of 4 stars). 2 submissions from 2 submitters: Uncertain significance (1). 1 of the submissions does not count toward it. Last evaluated 2021-08-13.

Conditions:
Inborn genetic diseases. Identifiers: MedGen C0950123, MeSH D030342.
CPE-related disorder. Also called: CPE-related condition.

Allele frequency attached by ClinVar (database versions not stated): ExAC 0.00003; ESP Exome Variant Server 0.00008; gnomAD 0.00010; TOPMed 0.00011.
gnomAD v4.1: 103 of 1,614,124 alleles (0.0064%); highest among the groups gnomAD compares: African/African-American, 0.032%; no homozygotes.

Submissions (2):

Ambry Genetics
Classification: Uncertain significance for Inborn genetic diseases. Last evaluated: 2021-08-13. Review status: criteria provided, single submitter. Criteria: Ambry Variant Classification Scheme 2023. Collection method: clinical testing. Allele origin: germline.

PreventionGenetics, part of Exact Sciences
Classification: Uncertain significance for CPE-related condition. Last evaluated: 2024-09-11. Review status: no assertion criteria provided. Collection method: clinical testing. Allele origin: germline. Not counted in ClinVar's aggregate classification.
Comment: The CPE c.869C>T variant is predicted to result in the amino acid substitution p.Pro290Leu. To our knowledge, this variant has not been reported in the literature. This variant is reported in 0.024% of alleles in individuals of African descent in gnomAD. At this time, the clinical significance of this variant is uncertain due to the absence of conclusive functional and genetic evidence.

NM_001873.4(CPE):c.869C>T (p.Pro290Leu)

Gene: CPE (carboxypeptidase E; plus strand). Cytogenetic location: 4q32.3.
Variant type: single nucleotide variant.
Coding change: c.869C>T on transcript NM_001873.4 (MANE Select); coding-DNA position 869, C replaced by T.
Protein change: p.Pro290Leu; replaces proline 290 with leucine.
Molecular consequence: missense variant.
Genome position (GRCh38, 1-based): chr4:165,484,500, C>T. VCF-style: chr4-165484500-C-T. GRCh37 (hg19) VCF-style: chr4-166405652-C-T.
Other names: c.869C>T (NM_001873.3); short protein forms P290L.
Identifiers: ClinVar variation 2350034 (VCV002350034.3), dbSNP rs374345764, ClinGen allele CA3130306.